The following is an entry in ClinVar:

NM_001386393.1(PANK2):c.1336T>C (p.Tyr446His)

Gene: PANK2 (pantothenate kinase 2; plus strand). Cytogenetic location: 20p13.
Variant type: single nucleotide variant.
Coding change: c.1336T>C on transcript NM_001386393.1 (MANE Select); coding-DNA position 1336, T replaced by C.
Protein change: p.Tyr446His; replaces tyrosine 446 with histidine.
Molecular consequence: missense variant. On other transcripts: non-coding transcript variant (1).
Genome position (GRCh38, 1-based): chr20:3,923,247, T>C. VCF-style: chr20-3923247-T-C. GRCh37 (hg19) VCF-style: chr20-3903894-T-C.
Other names: c.793T>C, p.Tyr265His (NM_001324191.2, NM_024960.6, NM_153640.4); c.358T>C, p.Tyr120His (NM_001324193.2); c.1666T>C, p.Tyr556His (NM_153638.4); short protein forms Y120H, Y265H, Y556H, Y446H.
Identifiers: ClinVar variation 945272 (VCV000945272.9), dbSNP rs2090674561, ClinGen allele CA408122660.

ClinVar aggregate classification (germline): Likely pathogenic (1 of 4 stars; one submission).

Conditions:
Pigmentary pallidal degeneration (NBIA1). Also called: Pantothenate Kinase-Associated Neurodegeneration; Neurodegeneration with brain iron accumulation 1; HARP SYNDROME; Neuroaxonal dystrophy, late infantile; Hallervorden-Spatz disease; PKAN NEUROAXONAL DYSTROPHY, JUVENILE-ONSET. Identifiers: Orphanet 157850, MedGen C0018523, MONDO:0009319, OMIM 234200.

Submission:

Labcorp Genetics (formerly Invitae), Labcorp
Classification: Likely pathogenic for Pigmentary pallidal degeneration. Last evaluated: 2023-03-23. Review status: criteria provided, single submitter. Criteria: Invitae Variant Classification Sherloc (09022015). Collection method: clinical testing. Allele origin: germline.
Comment: This sequence change replaces tyrosine, which is neutral and polar, with histidine, which is basic and polar, at codon 556 of the PANK2 protein (p.Tyr556His). This variant is not present in population databases (gnomAD no frequency). In summary, the currently available evidence indicates that the variant is pathogenic, but additional data are needed to prove that conclusively. Therefore, this variant has been classified as Likely Pathogenic. Advanced modeling of protein sequence and biophysical properties (such as structural, functional, and spatial information, amino acid conservation, physicochemical variation, residue mobility, and thermodynamic stability) performed at Invitae indicates that this missense variant is expected to disrupt PANK2 protein function. ClinVar contains an entry for this variant (Variation ID: 945272). This missense change has been observed in individual(s) with clinical features of PANK2-related conditions (Invitae). In at least one individual the data is consistent with being in trans (on the opposite chromosome) from a pathogenic variant.